The following is an entry in ClinVar:

ClinVar aggregate classification (germline): Benign/Likely benign. Review status: criteria provided, multiple submitters, no conflicts (2 of 4 stars). 7 submissions from 7 submitters: Benign (2); Likely benign (4). 1 of the submissions does not count toward it. Last evaluated 2026-05-12.

Conditions:
NF1-related disorder. Also called: NF1-related condition. Identifiers: MedGen CN379171.
Neurofibromatosis, type 1 (NF1). Also called: Neurofibromatosis, type I; Peripheral type neurofibromatosis; VON RECKLINGHAUSEN DISEASE; NEUROFIBROMATOSIS, TYPE I, SOMATIC. Identifiers: Orphanet 636, MedGen C0027831, MONDO:0018975, OMIM 162200. Disease mechanism: loss of function.
Hereditary cancer-predisposing syndrome. Also called: Hereditary Cancer Syndrome; Hereditary neoplastic syndrome; Neoplastic Syndromes, Hereditary; Tumor predisposition. Identifiers: Orphanet 140162, MedGen C0027672, MeSH D009386, MONDO:0015356.

Allele frequency attached by ClinVar (database versions not stated): gnomAD exomes below 0.00001 and 0.00002; ExAC 0.00001; gnomAD 0.00001; TOPMed 0.00002; ESP Exome Variant Server 0.00008.
gnomAD v4.1: 29 of 1,602,312 alleles (0.0018%); highest among the groups gnomAD compares: Non-Finnish European, 0.0025%; no homozygotes.

Submissions (7):

Myriad Genetics, Inc.
Classification: Likely benign for Neurofibromatosis, type 1. Last evaluated: 2026-05-12. Review status: criteria provided, single submitter. Criteria: Myriad Autosomal Dominant, Autosomal Recessive and X-Linked Classification Criteria (2023). Collection method: clinical testing. Allele origin: unknown.
Comment: This variant is considered likely benign. This variant is intronic and is not expected to impact mRNA splicing.

Labcorp Genetics (formerly Invitae), Labcorp
Classification: Likely benign for Neurofibromatosis, type 1. Last evaluated: 2026-01-12. Review status: criteria provided, single submitter. Criteria: Invitae Variant Classification Sherloc (09022015). Collection method: clinical testing. Allele origin: germline.

Blueprint Genetics
Classification: Likely benign. Last evaluated: 2024-09-23. Review status: criteria provided, single submitter. Criteria: ACMG Guidelines, 2015. Collection method: clinical testing. Allele origin: germline.

Genome-Nilou Lab
Classification: Benign for Neurofibromatosis, type 1. Last evaluated: 2022-03-15. Review status: criteria provided, single submitter. Criteria: ACMG Guidelines, 2015. Collection method: clinical testing. Allele origin: germline. Affected: no.

Sema4
Classification: Likely benign for Hereditary cancer-predisposing syndrome. Last evaluated: 2021-04-22. Review status: criteria provided, single submitter. Criteria: Sema4 Curation Guidelines. Collection method: curation. Allele origin: germline.

ARUP Laboratories, Molecular Genetics and Genomics, ARUP Laboratories
Classification: Benign. Last evaluated: 2017-04-06. Review status: criteria provided, single submitter. Criteria: ARUP Molecular Germline Variant Investigation Process. Collection method: clinical testing. Allele origin: germline.

PreventionGenetics, part of Exact Sciences
Classification: Likely benign for NF1-related condition. Last evaluated: 2019-04-08. Review status: no assertion criteria provided. Collection method: clinical testing. Allele origin: germline. Not counted in ClinVar's aggregate classification.
Comment: This variant is classified as likely benign based on ACMG/AMP sequence variant interpretation guidelines (Richards et al. 2015 PMID: 25741868, with internal and published modifications).

NM_001042492.3(NF1):c.3974+9T>A

Gene: NF1 (neurofibromin 1; plus strand). Cytogenetic location: 17q11.2.
Variant type: single nucleotide variant.
Coding change: c.3974+9T>A on transcript NM_001042492.3 (MANE Select); 9 bases into the intron after coding-DNA position 3974, T replaced by A.
Molecular consequence: intron variant.
Genome position (GRCh38, 1-based): chr17:31,236,030, T>A. VCF-style: chr17-31236030-T-A. GRCh37 (hg19) VCF-style: chr17-29563048-T-A.
Other names: c.3974+9T>A (NM_000267.4, NM_001042492.2).
Identifiers: ClinVar variation 440002 (VCV000440002.21), dbSNP rs368586596, ClinGen allele CA8486272.